The following is an entry in ClinVar:

ClinVar aggregate classification (germline): Uncertain significance. Review status: criteria provided, multiple submitters, no conflicts (2 of 4 stars). 2 submissions from 2 submitters: Uncertain significance (2). Last evaluated 2026-08-06.

Conditions:
Seckel syndrome 1 (SCKL1). Also called: MICROCEPHALIC PRIMORDIAL DWARFISM I. Identifiers: Orphanet 808, MedGen C4551474, MONDO:0008869, OMIM 210600.

gnomAD v4.1: 4 of 1,613,878 alleles (0.00025%); highest among the groups gnomAD compares: Admixed American, 0.0017%; no homozygotes.

Submissions (2):

OLLIN Analises Genomicas, OLLIN
Classification: Uncertain significance for Seckel syndrome 1. Last evaluated: 2026-08-06. Review status: criteria provided, single submitter. Criteria: ACMG Guidelines 2015 PMID 25741868. Collection method: clinical testing. Allele origin: germline. Inheritance: Autosomal recessive inheritance.
Comment: This nonsense variant, located in exon 47 (of 47), has been observed in gnomAD with an allele frequency of 0.00025%, but has not been reported in ClinVar or identified in the literature. This variant introduces a premature stop codon, which is predicted to result in either a truncated protein or degradation of the mRNA via nonsense-mediated decay (NMD). According to the currently available evidence, this variant has been classified as uncertain significance (PVS1_M, PM2_P).

Labcorp Genetics (formerly Invitae), Labcorp
Classification: Uncertain significance. Last evaluated: 2025-10-03. Review status: criteria provided, single submitter. Criteria: Invitae Variant Classification Sherloc (09022015). Collection method: clinical testing. Allele origin: germline.
Comment: This sequence change creates a premature translational stop signal (p.Arg2606*) in the ATR gene. While this is not anticipated to result in nonsense mediated decay, it is expected to disrupt the last 39 amino acid(s) of the ATR protein. This variant is not present in population databases (gnomAD no frequency). This variant has not been reported in the literature in individuals affected with ATR-related conditions. Experimental studies and prediction algorithms are not available or were not evaluated, and the functional significance of this variant is currently unknown. In summary, the available evidence is currently insufficient to determine the role of this variant in disease. Therefore, it has been classified as a Variant of Uncertain Significance.

NM_001184.4(ATR):c.7816C>T (p.Arg2606Ter)

Gene: ATR (ATR checkpoint kinase; minus strand). Cytogenetic location: 3q23.
Variant type: single nucleotide variant.
Coding change: c.7816C>T on transcript NM_001184.4 (MANE Select); coding-DNA position 7816, C replaced by T.
Protein change: p.Arg2606Ter; replaces arginine 2606 with a stop codon.
Molecular consequence: nonsense.
Genome position (GRCh38, 1-based): chr3:142,449,548, G>A on the plus strand (C>T on the coding strand, the complement: ATR is on the minus strand). VCF-style: chr3-142449548-G-A. GRCh37 (hg19) VCF-style: chr3-142168390-G-A.
Other names: c.7624C>T, p.Arg2542Ter (NM_001354579.2); short protein forms R2542*, R2606*.
Identifiers: ClinVar variation 4708356 (VCV004708356.2).